The following is an entry in ClinVar:

ClinVar aggregate classification (germline): Pathogenic. Review status: criteria provided, multiple submitters, no conflicts (2 of 4 stars). 6 submissions from 6 submitters: Pathogenic (3). 3 of the submissions do not count toward it. Last evaluated 2024-06-23.

Conditions:
Stormorken syndrome (STRMK). Also called: THROMBOCYTOPATHY, ASPLENIA, AND MIOSIS. Identifiers: Orphanet 3204, MedGen C1861451, MONDO:0008497, OMIM 185070.
Combined immunodeficiency due to STIM1 deficiency. Also called: IMMUNODEFICIENCY 10; STIM1 DEFICIENCY. Identifiers: Orphanet 169090, Orphanet 317430, MedGen C2748557, MONDO:0013008, OMIM 612783.
Myopathy with tubular aggregates (TAM). Also called: Tubular Aggregate Myopathy. Identifiers: Orphanet 2593, MedGen C0410207, MONDO:0008051.

Submissions (6):

GeneDx
Classification: Pathogenic. Last evaluated: 2024-06-23. Review status: criteria provided, single submitter. Criteria: GeneDx Variant Classification Process June 2021. Collection method: clinical testing. Allele origin: germline. Affected: yes.
Comment: Published functional studies demonstrate that this variant impairs the function of STIM1 (PMID: 24591628); Not observed at significant frequency in large population cohorts (gnomAD); In silico analysis supports that this missense variant has a deleterious effect on protein structure/function; This variant is associated with the following publications: (PMID: 34440373, 32234795, 29483506, 30374325, 26436962, 30390422, 36749824, 4085141, 37903816, 31785581, 35724962, 25044882, 31216405, 33073872, 24591628, 30576443, 29146883, 28624464, 24619930, 25577287)

Labcorp Genetics (formerly Invitae), Labcorp
Classification: Pathogenic for Myopathy with tubular aggregates; Combined immunodeficiency due to STIM1 deficiency; Stormorken syndrome. Last evaluated: 2023-05-30. Review status: criteria provided, single submitter. Criteria: Invitae Variant Classification Sherloc (09022015). Collection method: clinical testing. Allele origin: germline.
Comment: For these reasons, this variant has been classified as Pathogenic. Experimental studies have shown that this missense change affects STIM1 function (PMID: 24591628, 25044882). Advanced modeling of protein sequence and biophysical properties (such as structural, functional, and spatial information, amino acid conservation, physicochemical variation, residue mobility, and thermodynamic stability) has been performed at Invitae for this missense variant, however the output from this modeling did not meet the statistical confidence thresholds required to predict the impact of this variant on STIM1 protein function. ClinVar contains an entry for this variant (Variation ID: 132887). This missense change has been observed in individual(s) with clinical features of autosomal dominant STIM1-related conditions (PMID: 24591628, 24619930, 25044882, 25577287, 26436962). In at least one individual the variant was observed to be de novo. It has also been observed to segregate with disease in related individuals. This variant is not present in population databases (gnomAD no frequency). This sequence change replaces arginine, which is basic and polar, with tryptophan, which is neutral and slightly polar, at codon 304 of the STIM1 protein (p.Arg304Trp).

Baylor Genetics
Classification: Pathogenic for Combined immunodeficiency due to STIM1 deficiency; Stormorken syndrome. Last evaluated: 2017-12-31. Review status: criteria provided, single submitter. Criteria: ACMG Guidelines, 2015. Collection method: clinical testing. Allele origin: germline. Affected: yes.

OMIM
Classification: Pathogenic for STORMORKEN SYNDROME. Last evaluated: 2014-10-01. Review status: no assertion criteria provided. Collection method: literature only. Allele origin: germline. Not counted in ClinVar's aggregate classification.

Department of Medical Genetics, Oslo University Hospital
Classification: Pathogenic for Stormorken syndrome. Last evaluated: 2012-08-28. Review status: no assertion criteria provided. Criteria: research. Collection method: research. Allele origin: de novo, germline, unknown. Inheritance: Autosomal dominant inheritance. Affected: yes. Observed: 6 heterozygotes. Not counted in ClinVar's aggregate classification.
Comment: Missense mutation found to segregate with Stormorken syndrome (OMIM 185070) in four families

Center for Human Genetics and Genomic Medicine, Uniklinik Rwth Aachen
No classification provided. Review status: no classification provided. Collection method: not provided. Allele origin: germline. Not counted in ClinVar's aggregate classification.

Literature cited by the submitters: PubMed 24591628 (cited by 3 submitters); PubMed 25044882 (cited by 3 submitters); PubMed 24619930 (cited by 4 submitters); PubMed 25577287 (cited by Labcorp Genetics (formerly Invitae), Labcorp and Baylor Genetics); PubMed 26436962 (cited by Labcorp Genetics (formerly Invitae), Labcorp); PubMed 28624464 (cited by Baylor Genetics); PubMed 4085141 (cited by OMIM).

NM_001382567.1(STIM1):c.910C>T (p.Arg304Trp)

Gene: STIM1 (stromal interaction molecule 1; plus strand). Cytogenetic location: 11p15.4.
Variant type: single nucleotide variant.
Coding change: c.910C>T on transcript NM_001382567.1 (MANE Select); coding-DNA position 910, C replaced by T.
Protein change: p.Arg304Trp; replaces arginine 304 with tryptophan.
Molecular consequence: missense variant.
Genome position (GRCh38, 1-based): chr11:4,074,620, C>T. VCF-style: chr11-4074620-C-T. GRCh37 (hg19) VCF-style: chr11-4095850-C-T.
Other names: STIM1, ARG304TRP (rs483352867); c.910C>T, p.Arg304Trp (NM_001277961.3, NM_001277962.2, NM_001382568.1 and 2 more transcripts); c.688C>T, p.Arg230Trp (NM_001382566.1, NM_001382573.1, NM_001382574.1 and 5 more transcripts); c.775C>T, p.Arg259Trp (NM_001382569.1); c.682C>T, p.Arg228Trp (NM_001382570.1); c.430C>T, p.Arg144Trp (NM_001382571.1); c.421C>T, p.Arg141Trp (NM_001382580.1, NM_001382581.1); short protein forms R304W, R141W, R144W, R228W, R230W, R259W.
Identifiers: ClinVar variation 132887 (VCV000132887.16), dbSNP rs483352867, ClinGen allele CA163350.